The following is an entry in ClinVar:

NC_000006.11:g.(?_43578271)_(43578480_?)del

Gene: POLH (DNA polymerase eta; plus strand). Cytogenetic location: 6p21.1.
Variant type: Deletion.
Identifiers: ClinVar variation 3246201 (VCV003246201.1).

ClinVar aggregate classification (germline): Pathogenic (1 of 4 stars; one submission).

Submission:

Labcorp Genetics (formerly Invitae), Labcorp
Classification: Pathogenic. Last evaluated: 2023-02-08. Review status: criteria provided, single submitter. Criteria: Invitae Variant Classification Sherloc (09022015). Collection method: clinical testing. Allele origin: unknown.
Comment: This variant is a gross deletion of the genomic region encompassing exon(s) 10 of the POLH gene. While this deletion is not anticipated to lead to nonsense mediated decay, it is expected to disrupt the C-terminus of the protein. A similar copy number variant has been observed in individual(s) with xeroderma pigmentosum (PMID: 18368133, 24130121, 24877075, 32635709). It has also been observed to segregate with disease in related individuals. This variant is also known as c.1075_1244del170 (p.Asn359Valfs*32) and c.1370-2567_1539+1188del3925. For these reasons, this variant has been classified as Pathogenic.

Literature cited by the submitters: PubMed 18368133; PubMed 24130121; PubMed 24877075; PubMed 32635709.